The following is an entry in ClinVar:

NM_000097.7(CPOX):c.92G>T (p.Gly31Val)

Genes: CPOX (coproporphyrinogen oxidase; minus strand), LOC129937121 (ATAC-STARR-seq lymphoblastoid silent region 14560; plus strand). Cytogenetic location: 3q11.2.
Variant type: single nucleotide variant.
Coding change: c.92G>T on transcript NM_000097.7 (MANE Select); coding-DNA position 92, G replaced by T.
Protein change: p.Gly31Val; replaces glycine 31 with valine.
Molecular consequence: missense variant.
Genome position (GRCh38, 1-based): chr3:98,593,413, C>A on the plus strand (G>T on the coding strand, the complement: CPOX is on the minus strand). VCF-style: chr3-98593413-C-A. GRCh37 (hg19) VCF-style: chr3-98312257-C-A.
Other names: c.92G>T, p.Gly31Val (LRG_1077t1); short protein forms G31V.
Identifiers: ClinVar variation 642524 (VCV000642524.6), dbSNP rs1576307171, ClinGen allele CA353647162.

ClinVar aggregate classification (germline): Uncertain significance (1 of 4 stars; one submission).

Submission:

Labcorp Genetics (formerly Invitae), Labcorp
Classification: Uncertain significance. Last evaluated: 2020-02-29. Review status: criteria provided, single submitter. Criteria: Invitae Variant Classification Sherloc (09022015). Collection method: clinical testing. Allele origin: germline.
Comment: This variant has not been reported in the literature in individuals with CPOX-related disease. The frequency data for this variant in the population databases is considered unreliable, as metrics indicate insufficient coverage at this position in the ExAC database. This sequence change replaces glycine with valine at codon 31 of the CPOX protein (p.Gly31Val). The glycine residue is weakly conserved and there is a moderate physicochemical difference between glycine and valine. In summary, the available evidence is currently insufficient to determine the role of this variant in disease. Therefore, it has been classified as a Variant of Uncertain Significance. Algorithms developed to predict the effect of missense changes on protein structure and function are either unavailable or do not agree on the potential impact of this missense change (SIFT: "Deleterious"; PolyPhen-2: "Probably Damaging"; Align-GVGD: "Class C0").